The following is an entry in ClinVar:

ClinVar aggregate classification (germline): Uncertain significance (1 of 4 stars; one submission).

Conditions:
Hereditary spastic paraplegia 3A (SPG3A). Also called: Spastic paraplegia 3A, autosomal dominant; Spastic Paraplegia 3A; SPASTIC PARAPLEGIA 3, AUTOSOMAL DOMINANT; FAMILIAL SPASTIC PARAPLEGIA, AUTOSOMAL DOMINANT, 1; SPG3; STRUMPELL DISEASE. Identifiers: Orphanet 100984, MedGen C2931355, MONDO:0008437, OMIM 182600.

Submission:

Labcorp Genetics (formerly Invitae), Labcorp
Classification: Uncertain significance for Hereditary spastic paraplegia 3A. Last evaluated: 2020-03-06. Review status: criteria provided, single submitter. Criteria: Invitae Variant Classification Sherloc (09022015). Collection method: clinical testing. Allele origin: germline.
Comment: This variant is not present in population databases (ExAC no frequency). In summary, the available evidence is currently insufficient to determine the role of this variant in disease. Therefore, it has been classified as a Variant of Uncertain Significance. Algorithms developed to predict the effect of missense changes on protein structure and function are either unavailable or do not agree on the potential impact of this missense change (SIFT: "Deleterious"; PolyPhen-2: "Benign"; Align-GVGD: "Class C0"). This variant has not been reported in the literature in individuals with ATL1-related conditions. This sequence change replaces serine with arginine at codon 306 of the ATL1 protein (p.Ser306Arg). The serine residue is highly conserved and there is a moderate physicochemical difference between serine and arginine.

NM_015915.5(ATL1):c.918T>G (p.Ser306Arg)

Gene: ATL1 (atlastin GTPase 1; plus strand). Cytogenetic location: 14q22.1.
Variant type: single nucleotide variant.
Coding change: c.918T>G on transcript NM_015915.5 (MANE Select); coding-DNA position 918, T replaced by G.
Protein change: p.Ser306Arg; replaces serine 306 with arginine.
Molecular consequence: missense variant.
Genome position (GRCh38, 1-based): chr14:50,620,654, T>G. VCF-style: chr14-50620654-T-G. GRCh37 (hg19) VCF-style: chr14-51087372-T-G.
Other names: c.918T>G, p.Ser306Arg (NM_001127713.1, NM_181598.4); short protein forms S306R.
Identifiers: ClinVar variation 845270 (VCV000845270.9), dbSNP rs2039458848, ClinGen allele CA389673232.